The following is an entry in ClinVar:

ClinVar aggregate classification (germline): Uncertain significance. Review status: criteria provided, multiple submitters, no conflicts (2 of 4 stars). 3 submissions from 3 submitters: Uncertain significance (3). Last evaluated 2025-04-13.

Conditions:
Inborn genetic diseases. Identifiers: MedGen C0950123, MeSH D030342.

gnomAD v4.1: 65 of 1,613,582 alleles (0.004%); highest among the groups gnomAD compares: South Asian, 0.0055%; no homozygotes.

Submissions (3):

Ambry Genetics
Classification: Uncertain significance for Inborn genetic diseases. Last evaluated: 2025-04-13. Review status: criteria provided, single submitter. Criteria: Ambry Variant Classification Scheme 2023. Collection method: clinical testing. Allele origin: germline.

Labcorp Genetics (formerly Invitae), Labcorp
Classification: Uncertain significance. Last evaluated: 2024-10-24. Review status: criteria provided, single submitter. Criteria: Invitae Variant Classification Sherloc (09022015). Collection method: clinical testing. Allele origin: germline.
Comment: This sequence change replaces valine, which is neutral and non-polar, with methionine, which is neutral and non-polar, at codon 374 of the C6 protein (p.Val374Met). This variant is present in population databases (rs143839537, gnomAD 0.009%). This variant has not been reported in the literature in individuals affected with C6-related conditions. An algorithm developed to predict the effect of missense changes on protein structure and function (PolyPhen-2) suggests that this variant is likely to be disruptive. In summary, the available evidence is currently insufficient to determine the role of this variant in disease. Therefore, it has been classified as a Variant of Uncertain Significance.

Blueprint Genetics
Classification: Uncertain significance. Last evaluated: 2024-08-28. Review status: criteria provided, single submitter. Criteria: ACMG Guidelines, 2015. Collection method: clinical testing. Allele origin: germline.

NM_000065.5(C6):c.1120G>A (p.Val374Met)

Gene: C6 (complement C6; minus strand). Cytogenetic location: 5p13.1.
Variant type: single nucleotide variant.
Coding change: c.1120G>A on transcript NM_000065.5 (MANE Select); coding-DNA position 1120, G replaced by A.
Protein change: p.Val374Met; replaces valine 374 with methionine.
Molecular consequence: missense variant.
Genome position (GRCh38, 1-based): chr5:41,176,523, C>T on the plus strand (G>A on the coding strand, the complement: C6 is on the minus strand). VCF-style: chr5-41176523-C-T. GRCh37 (hg19) VCF-style: chr5-41176625-C-T.
Other names: c.1120G>A, p.Val374Met (NM_001115131.4); short protein forms V374M.
Identifiers: ClinVar variation 3714793 (VCV003714793.3).